The following is an entry in ClinVar:

ClinVar aggregate classification (germline): Uncertain significance. Review status: criteria provided, multiple submitters, no conflicts (2 of 4 stars). 3 submissions from 3 submitters: Uncertain significance (3). Last evaluated 2026-06-19.

Conditions:
Inborn genetic diseases. Identifiers: MedGen C0950123, MeSH D030342.

Allele frequency attached by ClinVar (database versions not stated): gnomAD exomes 0.00001; ExAC 0.00001; TOPMed 0.00001; gnomAD 0.00002.
gnomAD v4.1: 16 of 1,613,964 alleles (0.00099%); highest among the groups gnomAD compares: East Asian, 0.0022%; no homozygotes.

Submissions (3):

Women's Health and Genetics/Laboratory Corporation of America, LabCorp
Classification: Uncertain significance. Last evaluated: 2026-06-19. Review status: criteria provided, single submitter. Criteria: LabCorp Variant Classification Summary - May 2015. Collection method: clinical testing. Allele origin: germline.
Comment: Variant summary: POLR1A c.4432G>A (p.Ala1478Thr) results in a non-conservative amino acid change in the encoded protein sequence. Algorithms developed to predict the effect of missense changes on protein structure and function are either unavailable or do not agree on the potential impact of this missense change. The variant allele was found at a frequency of 8e-06 in 249508 control chromosomes. The available data on variant occurrences in the general population are insufficient to allow any conclusion about variant significance. To our knowledge, no occurrence of c.4432G>A in individuals affected with POLR1A-related conditions and no experimental evidence demonstrating its impact on protein function have been reported. ClinVar contains an entry for this variant (Variation ID: 2600400). Based on the evidence outlined above, the variant was classified as uncertain significance.

Labcorp Genetics (formerly Invitae), Labcorp
Classification: Uncertain significance. Last evaluated: 2023-12-09. Review status: criteria provided, single submitter. Criteria: Invitae Variant Classification Sherloc (09022015). Collection method: clinical testing. Allele origin: germline.
Comment: This sequence change replaces alanine, which is neutral and non-polar, with threonine, which is neutral and polar, at codon 1478 of the POLR1A protein (p.Ala1478Thr). This variant is present in population databases (rs764220762, gnomAD 0.006%). This variant has not been reported in the literature in individuals affected with POLR1A-related conditions. Algorithms developed to predict the effect of missense changes on protein structure and function output the following: SIFT: "Not Available"; PolyPhen-2: "Benign"; Align-GVGD: "Not Available". The threonine amino acid residue is found in multiple mammalian species, which suggests that this missense change does not adversely affect protein function. In summary, the available evidence is currently insufficient to determine the role of this variant in disease. Therefore, it has been classified as a Variant of Uncertain Significance.

Ambry Genetics
Classification: Uncertain significance for Inborn genetic diseases. Last evaluated: 2023-08-05. Review status: criteria provided, single submitter. Criteria: Ambry Variant Classification Scheme 2023. Collection method: clinical testing. Allele origin: germline.

NM_015425.6(POLR1A):c.4432G>A (p.Ala1478Thr)

Gene: POLR1A (RNA polymerase I subunit A; minus strand). Cytogenetic location: 2p11.2.
Variant type: single nucleotide variant.
Coding change: c.4432G>A on transcript NM_015425.6 (MANE Select); coding-DNA position 4432, G replaced by A.
Protein change: p.Ala1478Thr; replaces alanine 1478 with threonine.
Molecular consequence: missense variant.
Genome position (GRCh38, 1-based): chr2:86,031,476, C>T on the plus strand (G>A on the coding strand, the complement: POLR1A is on the minus strand). VCF-style: chr2-86031476-C-T. GRCh37 (hg19) VCF-style: chr2-86258599-C-T.
Other names: short protein forms A1478T.
Identifiers: ClinVar variation 2600400 (VCV002600400.6), dbSNP rs764220762, ClinGen allele CA1745496.